The following is an entry in ClinVar:

ClinVar aggregate classification (germline): Uncertain significance. Review status: criteria provided, multiple submitters, no conflicts (2 of 4 stars). 6 submissions from 6 submitters: Uncertain significance (6). Last evaluated 2023-04-11.

Conditions:
Inborn genetic diseases. Identifiers: MedGen C0950123, MeSH D030342.
Developmental and epileptic encephalopathy, 18 (DEE18). Also called: Early infantile epileptic encephalopathy 18. Identifiers: Orphanet 369894, MedGen C3809624, MONDO:0014201, OMIM 615476.

Allele frequency attached by ClinVar (database versions not stated): gnomAD exomes 0.00001 and 0.00004; ExAC 0.00003; gnomAD 0.00003; TOPMed 0.00003.

Submissions (6):

GeneDx
Classification: Uncertain significance. Last evaluated: 2023-04-11. Review status: criteria provided, single submitter. Criteria: GeneDx Variant Classification Process June 2021. Collection method: clinical testing. Allele origin: germline. Affected: yes.
Comment: In silico analysis supports that this missense variant has a deleterious effect on protein structure/function; Has not been previously published as pathogenic or benign to our knowledge

Genome-Nilou Lab
Classification: Uncertain significance for Developmental and epileptic encephalopathy, 18. Last evaluated: 2023-04-11. Review status: criteria provided, single submitter. Criteria: ACMG Guidelines, 2015. Collection method: clinical testing. Allele origin: germline. Affected: no.

Labcorp Genetics (formerly Invitae), Labcorp
Classification: Uncertain significance. Last evaluated: 2022-08-09. Review status: criteria provided, single submitter. Criteria: Invitae Variant Classification Sherloc (09022015). Collection method: clinical testing. Allele origin: germline.
Comment: This sequence change replaces arginine, which is basic and polar, with tryptophan, which is neutral and slightly polar, at codon 2549 of the SZT2 protein (p.Arg2549Trp). This variant is present in population databases (rs754730352, gnomAD 0.05%). This variant has not been reported in the literature in individuals affected with SZT2-related conditions. ClinVar contains an entry for this variant (Variation ID: 588203). Algorithms developed to predict the effect of missense changes on protein structure and function (SIFT, PolyPhen-2, Align-GVGD) all suggest that this variant is likely to be disruptive. In summary, the available evidence is currently insufficient to determine the role of this variant in disease. Therefore, it has been classified as a Variant of Uncertain Significance.

CeGaT Center for Human Genetics Tuebingen
Classification: Uncertain significance. Last evaluated: 2019-07-01. Review status: criteria provided, single submitter. Criteria: CeGaT Center For Human Genetics Tuebingen Variant Classification Criteria Version 2. Collection method: clinical testing. Allele origin: germline. Affected: yes. Observed: 1 variant allele.

Ambry Genetics
Classification: Uncertain significance for Inborn genetic diseases. Last evaluated: 2016-08-29. Review status: criteria provided, single submitter. Criteria: Ambry Variant Classification Scheme 2023. Collection method: clinical testing. Allele origin: germline.
Comment: The p.R2549W variant (also known as c.7645C>T), located in coding exon 55 of the SZT2 gene, results from a C to T substitution at nucleotide position 7645. The arginine at codon 2549 is replaced by tryptophan, an amino acid with dissimilar properties. This variant was not reported in population based cohorts in the following databases: Database of Single Nucleotide Polymorphisms (dbSNP), NHLBI Exome Sequencing Project (ESP), and 1000 Genomes Project. In the ESP, this variant was not observed in 6501 samples (13002 alleles) with coverage at this position. This amino acid position is highly conserved in available vertebrate species. In addition, the in silico prediction for this alteration is inconclusive. Since supporting evidence is limited at this time, the clinical significance of this variant remains unclear.

Juno Genomics, Hangzhou Juno Genomics, Inc
Classification: Uncertain significance for Developmental and epileptic encephalopathy, 18. Review status: criteria provided, single submitter. Criteria: ACMG Guidelines, 2015. Collection method: clinical testing. Allele origin: germline. Affected: yes.
Comment: Absent from controls (or at extremely low frequency if recessive) in Genome Aggregation Database, Exome Sequencing Project, 1000 Genomes Project, or Exome Aggregation Consortium.;Missense variant in a gene that has a low rate of benign missense variation and where missense variants are a common mechanism of disease.;Patient's phenotype or family history is highly specific for a disease with a single genetic etiology.

NM_001365999.1(SZT2):c.7816C>T (p.Arg2606Trp)

Gene: SZT2 (SZT2 subunit of KICSTOR complex; plus strand). Cytogenetic location: 1p34.2.
Variant type: single nucleotide variant.
Coding change: c.7816C>T on transcript NM_001365999.1 (MANE Select); coding-DNA position 7816, C replaced by T.
Protein change: p.Arg2606Trp; replaces arginine 2606 with tryptophan.
Molecular consequence: missense variant.
Genome position (GRCh38, 1-based): chr1:43,442,073, C>T. VCF-style: chr1-43442073-C-T. GRCh37 (hg19) VCF-style: chr1-43907744-C-T.
Other names: c.7645C>T, p.Arg2549Trp (NM_015284.4); short protein forms R2549W, R2606W.
Identifiers: ClinVar variation 588203 (VCV000588203.52), dbSNP rs754730352, ClinGen allele CA810349.